The following is an entry in ClinVar:

NM_000257.4(MYH7):c.202-3C>T

Gene: MYH7 (myosin heavy chain 7; minus strand). Cytogenetic location: 14q11.2.
Variant type: single nucleotide variant.
Coding change: c.202-3C>T on transcript NM_000257.4 (MANE Select); 3 bases into the intron before coding-DNA position 202, C replaced by T.
Molecular consequence: intron variant.
Genome position (GRCh38, 1-based): chr14:23,433,230, G>A on the plus strand (C>T on the coding strand, the complement: MYH7 is on the minus strand). VCF-style: chr14-23433230-G-A. GRCh37 (hg19) VCF-style: chr14-23902439-G-A.
Identifiers: ClinVar variation 921238 (VCV000921238.3), dbSNP rs112935906, ClinGen allele CA1139663384.

ClinVar aggregate classification (germline): Uncertain significance (1 of 4 stars; one submission).

Conditions:
Cardiomyopathy (CMYO). Also called: Cardiomyopathies. Identifiers: Orphanet 167848, MedGen C0878544, MONDO:0004994, HP:0001638. Inheritance: Various modes of inheritance.

Submission:

Color Diagnostics, LLC DBA Color Health
Classification: Uncertain significance for Cardiomyopathy. Last evaluated: 2019-12-17. Review status: criteria provided, single submitter. Criteria: ACMG Guidelines, 2015. Collection method: clinical testing. Allele origin: germline.
Comment: This variant causes a C>T nucleotide substitution at the -3 position of intron 3 of the MYH7 gene. Computational splicing tools are inconclusive regarding the impact of this variant on RNA splicing. To our knowledge, functional studies have not been performed for this variant. This variant has not been reported in individuals affected with cardiovascular disorders in the literature. This variant has not been identified in the general population by the Genome Aggregation Database (gnomAD). The available evidence is insufficient to determine the role of this variant in disease conclusively. Therefore, this variant is classified as a Variant of Uncertain Significance.